The following is an entry in ClinVar:

NM_001009944.3(PKD1):c.89G>A (p.Cys30Tyr)

Gene: PKD1 (polycystin 1, transient receptor potential channel interacting; minus strand). Cytogenetic location: 16p13.3.
Variant type: single nucleotide variant.
Coding change: c.89G>A on transcript NM_001009944.3 (MANE Select); coding-DNA position 89, G replaced by A.
Protein change: p.Cys30Tyr; replaces cysteine 30 with tyrosine.
Molecular consequence: missense variant.
Genome position (GRCh38, 1-based): chr16:2,135,601, C>T on the plus strand (G>A on the coding strand, the complement: PKD1 is on the minus strand). VCF-style: chr16-2135601-C-T. GRCh37 (hg19) VCF-style: chr16-2185602-C-T.
Other names: c.89G>A, p.Cys30Tyr (NM_000296.4); short protein forms C30Y.
Identifiers: ClinVar variation 993864 (VCV000993864.8), dbSNP rs2092941343, ClinGen allele CA394282797.

ClinVar aggregate classification (germline): Uncertain significance (1 of 4 stars; one submission).

Conditions:
Polycystic kidney disease, adult type (PKD1). Also called: Polycystic Kidney Disease 1, Autosomal Dominant; Polycystic kidney disease 1; Polycystic kidney disease 1, severe; POLYCYSTIC KIDNEY DISEASE, ADULT, TYPE I; POLYCYSTIC KIDNEY DISEASE 1 WITH OR WITHOUT POLYCYSTIC LIVER DISEASE; Polycystic Kidney, Autosomal Dominant. Identifiers: MedGen C3149841, MONDO:0008263, OMIM 173900.

Submission:

ARUP Laboratories, Molecular Genetics and Genomics, ARUP Laboratories
Classification: Uncertain significance for Polycystic kidney disease, adult type. Last evaluated: 2019-12-16. Review status: criteria provided, single submitter. Criteria: ARUP Molecular Germline Variant Investigation Process. Collection method: clinical testing. Allele origin: germline.
Comment: The PKD1 c.89G>A; p.Cys30Tyr variant, to our knowledge, is not reported in the medical literature or gene specific databases. This variant is also absent from general population databases (Exome Variant Server, Genome Aggregation Database), indicating it is not a common polymorphism. The cysteine at codon 30 is highly conserved, and computational analyses (SIFT: damaging, PolyPhen-2: benign) predict conflicting effects of this variant on protein structure/function. Due to limited information, the clinical significance of the p.Cys30Tyr variant is uncertain at this time.